The following is an entry in ClinVar:

ClinVar aggregate classification (germline): Conflicting classifications of pathogenicity. Review status: criteria provided, conflicting classifications (1 of 4 stars). 26 submissions from 23 submitters: Uncertain significance (12); Likely benign (8). 6 of the submissions do not count toward it. Last evaluated 2026-10-01.

Conditions:
Hereditary cancer-predisposing syndrome. Also called: Neoplastic Syndromes, Hereditary; Hereditary neoplastic syndrome; Hereditary Cancer Syndrome; Tumor predisposition. Identifiers: Orphanet 140162, MedGen C0027672, MeSH D009386, MONDO:0015356.
Multiple endocrine neoplasia. Identifiers: Orphanet 276161, MedGen C0027662, MONDO:0017169.
Multiple endocrine neoplasia, type 2 (MEN2). Identifiers: Orphanet 653, MedGen C4048306, MONDO:0019003. Disease mechanism: gain of function.
Aganglionic megacolon (HSCR). Also called: Hirschsprung's disease; Hirschsprung disease. Identifiers: Orphanet 388, MedGen C0019569, MeSH D006627, MONDO:0018309, HP:0002251.
Hirschsprung disease, susceptibility to, 1 (HSCR1). Also called: RET-Related Hirschsprung Disease. Identifiers: Orphanet 388, MedGen C3888239, MONDO:0007723, OMIM 142623.
Multiple endocrine neoplasia type 2A. Also called: Multiple Endocrine Neoplasia Type 2A (MEN2A); MULTIPLE ENDOCRINE NEOPLASIA, TYPE IIA; PTC SYNDROME; SIPPLE SYNDROME; MEN 2A; MEN-2A syndrome. Identifiers: Orphanet 247698, Orphanet 653, MedGen C0025268, MeSH D018813, MONDO:0008234, OMIM 171400.
Renal hypodysplasia/aplasia 1 (RHDA1). Also called: HEREDITARY RENAL APLASIA; RENAL APLASIA. Identifiers: Orphanet 411709, MedGen C1619700, MONDO:0024519, OMIM 191830.
Malignant tumor of breast. Also called: Malignant breast neoplasm; Cancer breast. Identifiers: MedGen C0006142, MONDO:0007254. Disease mechanism: loss of function.
RET-related disorder. Also called: RET-related condition; RET-related disease; RET-related disorders.
Pheochromocytoma. Also called: MAX-Related Hereditary Paraganglioma-Pheochromocytoma Syndrome. Identifiers: Orphanet 29072, MedGen C0031511, MONDO:0008233, OMIM 171300, HP:0002666.

Allele frequency attached by ClinVar (database versions not stated): ESP Exome Variant Server 0.00023; 1000 Genomes Project 30x 0.00016; 1000 Genomes Project 0.00020; gnomAD 0.00025 and 0.00024; gnomAD exomes 0.00025 and 0.00021; ExAC 0.00025; TOPMed 0.00025.
gnomAD v4.1: 347 of 1,612,474 alleles (0.022%); highest among the groups gnomAD compares: Middle Eastern, 0.63%; 2 homozygotes.

Submissions 1 to 12 of 26:

St. Jude Molecular Pathology, St. Jude Children's Research Hospital
Classification: Uncertain significance for Multiple endocrine neoplasia type 2A. Last evaluated: 2026-10-01. Review status: criteria provided, single submitter. Criteria: St. Jude Assertion Criteria 2020. Collection method: clinical testing. Allele origin: germline.
Comment: The RET c.785T>C p.(Val262Ala) missense change has a maximum subpopulation frequency of 0.04% in gnomAD v2.1.1. The in silico tool REVEL predicts a deleterious effect on protein function, but to our knowledge this prediction has not been confirmed by functional studies. This variant has been reported in an individual with Hirschsprung's disease (PMID: 11955539). To our knowledge, this variant has not been reported in the literature in individuals with multiple endocrine neoplasia type II. In summary, the evidence currently available is insufficient to determine the clinical significance of this variant. It has therefor e been classified as of uncertain significance (VUS-Low).

Labcorp Genetics (formerly Invitae), Labcorp
Classification: Uncertain significance for Multiple endocrine neoplasia, type 2. Last evaluated: 2026-01-28. Review status: criteria provided, single submitter. Criteria: Invitae Variant Classification Sherloc (09022015). Collection method: clinical testing. Allele origin: germline.
Comment: This sequence change replaces valine, which is neutral and non-polar, with alanine, which is neutral and non-polar, at codon 262 of the RET protein (p.Val262Ala). This variant is present in population databases (rs139790943, gnomAD 0.04%), and has an allele count higher than expected for a pathogenic variant. This missense change has been observed in individual(s) with non-medullary thyroid carcinoma and Hirschsprung disease (PMID: 11955539, 31614935, 35534704). ClinVar contains an entry for this variant (Variation ID: 41845). An algorithm developed to predict the effect of missense changes on protein structure and function (PolyPhen-2) suggests that this variant is likely to be disruptive. In summary, the available evidence is currently insufficient to determine the role of this variant in disease. Therefore, it has been classified as a Variant of Uncertain Significance.

Dasa
Classification: Uncertain significance. Last evaluated: 2025-09-17. Review status: criteria provided, single submitter. Criteria: DASA Assertion Criteria. Collection method: clinical testing. Allele origin: germline.
Comment: NM_020975.6(RET):c.785T>C (p.Val262Ala) is a missense variant that results in the substitution of valine with alanine. This classification is supported by population frequency inconsistent with a disease-causing role. The currently available literature and clinical evidence are not sufficient to establish a definitive association between this variant and the reported condition. Therefore, this variant is classified as a variant of uncertain significance.

Mayo Clinic Laboratories, Mayo Clinic
Classification: Uncertain significance. Last evaluated: 2025-08-15. Review status: criteria provided, single submitter. Criteria: ACMG Guidelines, 2015. Collection method: clinical testing. Allele origin: germline. Observed: 2 variant alleles.
Comment: BS1, PP3

CeGaT Center for Human Genetics Tuebingen
Classification: Likely benign. Last evaluated: 2025-08-01. Review status: criteria provided, single submitter. Criteria: CeGaT Center For Human Genetics Tuebingen Variant Classification Criteria Version 2. Collection method: clinical testing. Allele origin: germline. Affected: yes. Observed: 5 variant alleles.
Comment: RET: BS2

Molecular Pathology, Peter Maccallum Cancer Centre
Classification: Likely benign for Multiple endocrine neoplasia, type 2. Last evaluated: 2025-04-16. Review status: criteria provided, single submitter. Criteria: ACMG Guidelines, 2015. Collection method: clinical testing. Allele origin: germline. Inheritance: Autosomal dominant inheritance.

Blueprint Genetics
Classification: Likely benign. Last evaluated: 2024-11-25. Review status: criteria provided, single submitter. Criteria: ACMG Guidelines, 2015. Collection method: clinical testing. Allele origin: germline.

Mendelics
Classification: Likely benign for Multiple endocrine neoplasia type 2A. Last evaluated: 2024-04-09. Review status: criteria provided, single submitter. Criteria: ACMG Guidelines, 2015. Collection method: clinical testing. Allele origin: unknown.

Color Diagnostics, LLC DBA Color Health
Classification: Uncertain significance for Multiple endocrine neoplasia, type 2. Last evaluated: 2024-03-28. Review status: criteria provided, single submitter. Criteria: ACMG Guidelines, 2015. Collection method: clinical testing. Allele origin: germline.
Comment: This missense variant replaces valine with alanine at codon 262 of the RET protein. Computational prediction suggests that this variant may have deleterious impact on protein structure and function. To our knowledge, functional studies have not been reported for this variant. This variant has been reported in a family affected with pituitary adenoma but the variant does not segregate with disease (PMID: 20956458), in an individual affected with non-medullary thyroid cancer (PMID: 31614935), and in an individual affected with colorectal cancer (PMID: 36479692). This variant also has been reported in individuals affected with colon cancer and melanoma (PMID: 29684080) and in suspected hereditary breast and ovarian cancer families (PMID: 31159747). This variant has been identified in 69/277836 chromosomes in the general population by the Genome Aggregation Database (gnomAD). In summary, this variant is not rare in certain populations and there is a suspicion that this variant may not be associated with disease. Additional functional and clinical studies are necessary to determine the role of this variant in disease conclusively. Therefore, this variant is classified as a Variant of Uncertain Significance.

GeneDx
Classification: Likely benign. Last evaluated: 2022-03-30. Review status: criteria provided, single submitter. Criteria: GeneDx Variant Classification Process June 2021. Collection method: clinical testing. Allele origin: germline. Affected: yes.
Comment: This variant is associated with the following publications: (PMID: 25637381, 24336963, 11955539, 20956458, 22703879, 24055113, 15956201, 27884173, 31159747, 31614935)

Sema4
Classification: Uncertain significance for Hereditary cancer-predisposing syndrome. Last evaluated: 2022-01-03. Review status: criteria provided, single submitter. Criteria: Sema4 Curation Guidelines. Collection method: curation. Allele origin: germline.
Comment: To the best of our knowledge, the RET c.785T>C (p.V262A) variant has not been reported in individuals with RET-related disease. It was observed in 69/277836 chromosomes across the large and broad cohorts of the Genome Aggregation Database (PMID: 32461654). This variant has been reported in ClinVar (Variation ID 41845). In silico tools suggest the impact of the variant on protein function is deleterious, though these predictions have not been confirmed by functional studies. The evidence is insufficient to meet ACMG/AMP criteria for classifying the variant as benign or pathogenic. Thus, the clinical significance of this variant is currently uncertain.

Genetic Services Laboratory, University of Chicago
Classification: Uncertain significance. Last evaluated: 2020-05-04. Review status: criteria provided, single submitter. Criteria: ACMG Guidelines, 2015. Collection method: clinical testing. Allele origin: germline. Affected: no.
Comment: DNA sequence analysis of the RET gene demonstrated a sequence change, c.785T>C, in exon 4 that results in an amino acid change, p.Val262Ala. This sequence change has been described in the gnomAD database with a frequency of 0.043% in the South Asian sub-population (dbSNP rs139790943). The p.Val262Ala change has been reported in an individual with Hirshsprung's disease (PMID: 11955539). The p.Val262Ala change affects a moderately conserved amino acid residue located in a domain of the RET protein that is known to be functional. The p.Val262Ala substitution appears to be deleterious based on in-silico pathogenicity prediction tools (SIFT, PolyPhen2, Align GVGD, REVEL). Due to the lack of functional studies, the clinical significance of the p.Val262Ala change remains unknown at this time.

NM_020975.6(RET):c.785T>C (p.Val262Ala)

Gene: RET (ret proto-oncogene; plus strand). Cytogenetic location: 10q11.21.
Variant type: single nucleotide variant.
Coding change: c.785T>C on transcript NM_020975.6 (MANE Select); coding-DNA position 785, T replaced by C.
Protein change: p.Val262Ala; replaces valine 262 with alanine.
Molecular consequence: missense variant.
Genome position (GRCh38, 1-based): chr10:43,105,111, T>C. VCF-style: chr10-43105111-T-C. GRCh37 (hg19) VCF-style: chr10-43600559-T-C.
Other names: c.785T>C, p.Val262Ala (NM_000323.2, NM_001406743.1, NM_001406744.1 and 8 more transcripts); c.23T>C, p.Val8Ala (NM_001355216.2); c.656T>C, p.Val219Ala (NM_001406761.1, NM_001406762.1, NM_001406764.1 and 2 more transcripts); c.497T>C, p.Val166Ala (NM_001406766.1, NM_001406767.1, NM_001406770.1); c.785T>C (NM_020630.5); short protein forms V262A, V8A, V219A, V166A.
Identifiers: ClinVar variation 41845 (VCV000041845.71), dbSNP rs139790943, ClinGen allele CA009350.